The following is an entry in ClinVar:

NM_003718.5(CDK13):c.76C>T (p.Arg26Cys)

Gene: CDK13 (cyclin dependent kinase 13; plus strand). Cytogenetic location: 7p14.1.
Variant type: single nucleotide variant.
Coding change: c.76C>T on transcript NM_003718.5 (MANE Select); coding-DNA position 76, C replaced by T.
Protein change: p.Arg26Cys; replaces arginine 26 with cysteine.
Molecular consequence: missense variant.
Genome position (GRCh38, 1-based): chr7:39,950,717, C>T. VCF-style: chr7-39950717-C-T. GRCh37 (hg19) VCF-style: chr7-39990316-C-T.
Other names: c.76C>T, p.Arg26Cys (NM_031267.4); short protein forms R26C.
Identifiers: ClinVar variation 4868594 (VCV004868594.1).

ClinVar aggregate classification (germline): Uncertain significance (1 of 4 stars; one submission).

Conditions:
Inborn genetic diseases. Identifiers: MedGen C0950123, MeSH D030342.

gnomAD v4.1: 4 of 1,459,026 alleles (0.00027%); no homozygotes.

Submission:

Ambry Genetics
Classification: Uncertain significance for Inborn genetic diseases. Last evaluated: 2026-05-05. Review status: criteria provided, single submitter. Criteria: Ambry Variant Classification Scheme 2023. Collection method: clinical testing. Allele origin: germline.
Comment: The c.76C>T (p.R26C) alteration is located in exon 1 (coding exon 1) of the CDK13 gene. This alteration results from a C to T substitution at nucleotide position 76, causing the arginine (R) at amino acid position 26 to be replaced by a cysteine (C). Based on data from gnomAD, the T allele has an overall frequency of 0.001% (1/69122) total alleles studied. The highest observed frequency was <0.001% (/) of alleles. Based on insufficient or conflicting evidence, the clinical significance of this alteration remains unclear.